The following is an entry in ClinVar:

NM_031443.4(CCM2):c.663del (p.Val220_Tyr221insTer)

Gene: CCM2 (CCM2 scaffold protein; plus strand). Cytogenetic location: 7p13.
Variant type: Deletion.
Coding change: c.663del on transcript NM_031443.4 (MANE Select); coding-DNA position 663, one base deleted (C; older notation c.663delC).
Protein change: p.Val220_Tyr221insTer.
Molecular consequence: nonsense. On other transcripts: non-coding transcript variant (1), intron variant (1).
Genome position (GRCh38, 1-based): chr7:45,069,879, C deleted. VCF-style (leftmost placement, unchanged base first): chr7-45069878-AC-A. GRCh37 (hg19) VCF-style: chr7-45109477-AC-A.
Other names: c.726del, p.Val241_Tyr242insTer (NM_001029835.2); c.489del, p.Val162_Tyr163insTer (NM_001167934.2, NM_001363459.2); c.663del, p.Val220_Tyr221insTer (NM_001363458.2); c.473-2847del (NM_001167935.2).
Identifiers: ClinVar variation 2109629 (VCV002109629.4), dbSNP rs2486144656, ClinGen allele CA2580077194.

ClinVar aggregate classification (germline): Pathogenic (1 of 4 stars; one submission).

Conditions:
Cerebral cavernous malformation 2. Also called: Familial Cerebral Cavernous Malformation 2. Identifiers: Orphanet 221061, MedGen C1864041, MONDO:0011304, OMIM 603284.

Submission:

Labcorp Genetics (formerly Invitae), Labcorp
Classification: Pathogenic for Cerebral cavernous malformation 2. Last evaluated: 2022-03-12. Review status: criteria provided, single submitter. Criteria: Invitae Variant Classification Sherloc (09022015). Collection method: clinical testing. Allele origin: germline.
Comment: For these reasons, this variant has been classified as Pathogenic. This variant has not been reported in the literature in individuals affected with CCM2-related conditions. This variant is not present in population databases (gnomAD no frequency). This sequence change creates a premature translational stop signal (p.Tyr221*) in the CCM2 gene. It is expected to result in an absent or disrupted protein product. Loss-of-function variants in CCM2 are known to be pathogenic (PMID: 18300272, 24689081).

Literature cited by the submitters: PubMed 18300272; PubMed 24689081.